The following is an entry in ClinVar:

NM_001453.3(FOXC1):c.1166G>A (p.Gly389Asp)

Gene: FOXC1 (forkhead box C1; plus strand). Cytogenetic location: 6p25.3.
Variant type: single nucleotide variant.
Coding change: c.1166G>A on transcript NM_001453.3 (MANE Select); coding-DNA position 1166, G replaced by A.
Protein change: p.Gly389Asp; replaces glycine 389 with aspartic acid.
Molecular consequence: missense variant.
Genome position (GRCh38, 1-based): chr6:1,611,611, G>A. VCF-style: chr6-1611611-G-A. GRCh37 (hg19) VCF-style: chr6-1611846-G-A.
Other names: short protein forms G389D.
Identifiers: ClinVar variation 4737984 (VCV004737984.1).
Genomic context (GRCh38, chr6:1,611,611, plus strand): 5'-CCAGCGCGGGCAGCTCGGGCGGCGGCGGCGGCGGCGCGGGGGCCGCGGGGGGCGCGGGCG[G>A]CGCCGGGACCTACCACTGCAACCTGCAAGCCATGAGCCTGTACGCGGCCGGCGAGCGCGG-3'
Protein context (NP_001444.2, residues 379-399): GGAGAAGGAG[Gly389Asp]AGTYHCNLQA

ClinVar aggregate classification (germline): Uncertain significance (1 of 4 stars; one submission).

Conditions:
Axenfeld-Rieger syndrome type 3 (RIEG3). Also called: AXENFELD-RIEGER ANOMALY WITH CARDIAC DEFECTS AND/OR SENSORINEURAL HEARING LOSS. Identifiers: Orphanet 782, MedGen C2678503, MONDO:0011233, OMIM 602482.

Submission:

Labcorp Genetics (formerly Invitae), Labcorp
Classification: Uncertain significance for Axenfeld-Rieger syndrome type 3. Last evaluated: 2025-06-12. Review status: criteria provided, single submitter. Criteria: Invitae Variant Classification Sherloc (09022015). Collection method: clinical testing. Allele origin: germline.
Comment: This sequence change replaces glycine, which is neutral and non-polar, with aspartic acid, which is acidic and polar, at codon 389 of the FOXC1 protein (p.Gly389Asp). The frequency data for this variant in the population databases is considered unreliable, as metrics indicate insufficient coverage at this position in the gnomAD database. This variant has not been reported in the literature in individuals affected with FOXC1-related conditions. An algorithm developed to predict the effect of missense changes on protein structure and function (PolyPhen-2) suggests that this variant is likely to be tolerated. In summary, the available evidence is currently insufficient to determine the role of this variant in disease. Therefore, it has been classified as a Variant of Uncertain Significance.